The following is an entry in ClinVar:

ClinVar aggregate classification (germline): Uncertain significance. Review status: criteria provided, multiple submitters, no conflicts (2 of 4 stars). 3 submissions from 3 submitters: Uncertain significance (3). Last evaluated 2026-03-17.

Conditions:
Benign neonatal seizures. Also called: Benign familial neonatal epilepsy; Convulsions benign familial neonatal dominant form; Autosomal dominant form of benign neonatal seizures; Benign neonatal familial convulsions; Benign familial neonatal seizures. Identifiers: Orphanet 1949, MedGen C0220669, MONDO:0016027.
KCNQ3-related disorder. Also called: KCNQ3-Related Disorders; KCNQ3-related condition. Identifiers: MedGen CN381530.

Allele frequency attached by ClinVar (database versions not stated): gnomAD exomes below 0.00001.
gnomAD v4.1: 1 of 1,614,146 alleles (0.000062%); highest among the groups gnomAD compares: Non-Finnish European, 0.000085%; no homozygotes.

Submissions (3):

PreventionGenetics, part of Exact Sciences
Classification: Uncertain significance for KCNQ3-related condition. Last evaluated: 2026-03-17. Review status: criteria provided, single submitter. Criteria: ACMG Guidelines, 2015. Collection method: clinical testing. Allele origin: germline.
Comment: The KCNQ3 c.847G>A variant is predicted to result in the amino acid substitution p.Glu283Lys. To our knowledge, this variant has not been reported in the literature or in a large population database (gnomAD), indicating this variant is rare. At this time, the clinical significance of this variant is uncertain due to the absence of conclusive functional and genetic evidence.

Labcorp Genetics (formerly Invitae), Labcorp
Classification: Uncertain significance for Benign neonatal seizures. Last evaluated: 2024-06-24. Review status: criteria provided, single submitter. Criteria: Invitae Variant Classification Sherloc (09022015). Collection method: clinical testing. Allele origin: germline.
Comment: This sequence change replaces glutamic acid, which is acidic and polar, with lysine, which is basic and polar, at codon 283 of the KCNQ3 protein (p.Glu283Lys). This variant is not present in population databases (gnomAD no frequency). This variant has not been reported in the literature in individuals affected with KCNQ3-related conditions. ClinVar contains an entry for this variant (Variation ID: 663040). Advanced modeling of protein sequence and biophysical properties (such as structural, functional, and spatial information, amino acid conservation, physicochemical variation, residue mobility, and thermodynamic stability) performed at Invitae indicates that this missense variant is expected to disrupt KCNQ3 protein function with a positive predictive value of 80%. In summary, the available evidence is currently insufficient to determine the role of this variant in disease. Therefore, it has been classified as a Variant of Uncertain Significance.

Blueprint Genetics
Classification: Uncertain significance. Last evaluated: 2021-07-14. Review status: criteria provided, single submitter. Criteria: ACMG Guidelines, 2015. Collection method: clinical testing. Allele origin: germline.

NM_004519.4(KCNQ3):c.847G>A (p.Glu283Lys)

Gene: KCNQ3 (potassium voltage-gated channel subfamily Q member 3; minus strand). Cytogenetic location: 8q24.22.
Variant type: single nucleotide variant.
Coding change: c.847G>A on transcript NM_004519.4 (MANE Select); coding-DNA position 847, G replaced by A.
Protein change: p.Glu283Lys; replaces glutamic acid 283 with lysine.
Molecular consequence: missense variant.
Genome position (GRCh38, 1-based): chr8:132,175,539, C>T on the plus strand (G>A on the coding strand, the complement: KCNQ3 is on the minus strand). VCF-style: chr8-132175539-C-T. GRCh37 (hg19) VCF-style: chr8-133187786-C-T.
Other names: c.487G>A, p.Glu163Lys (NM_001204824.2); short protein forms E163K, E283K.
Identifiers: ClinVar variation 663040 (VCV000663040.12), dbSNP rs1586801275, ClinGen allele CA372290483.